The following is an entry in ClinVar:

NM_003966.3(SEMA5A):c.621G>A (p.Ala207=)

Gene: SEMA5A (semaphorin 5A; minus strand). Cytogenetic location: 5p15.31.
Variant type: single nucleotide variant.
Coding change: c.621G>A on transcript NM_003966.3 (MANE Select); coding-DNA position 621, G replaced by A.
Protein change: p.Ala207=; no amino-acid change (alanine 207 retained).
Molecular consequence: synonymous variant.
Genome position (GRCh38, 1-based): chr5:9,224,699, C>T on the plus strand (G>A on the coding strand, the complement: SEMA5A is on the minus strand). VCF-style: chr5-9224699-C-T. GRCh37 (hg19) VCF-style: chr5-9224811-C-T.
Identifiers: ClinVar variation 710933 (VCV000710933.29), dbSNP rs138765258, ClinGen allele CA3197050.

ClinVar aggregate classification (germline): Benign/Likely benign. Review status: criteria provided, multiple submitters, no conflicts (2 of 4 stars). 3 submissions from 3 submitters: Benign (2); Likely benign (1). Last evaluated 2022-05-01.

Allele frequency attached by ClinVar (database versions not stated): 1000 Genomes Project 30x 0.00047; 1000 Genomes Project 0.00060; TOPMed 0.00136; gnomAD 0.00156 and 0.00163; ESP Exome Variant Server 0.00200.

Submissions (3):

CeGaT Center for Human Genetics Tuebingen
Classification: Likely benign. Last evaluated: 2022-05-01. Review status: criteria provided, single submitter. Criteria: CeGaT Center For Human Genetics Tuebingen Variant Classification Criteria Version 2. Collection method: clinical testing. Allele origin: germline. Affected: yes. Observed: 1 variant allele.
Comment: SEMA5A: BP4, BP7

Labcorp Genetics (formerly Invitae), Labcorp
Classification: Benign. Last evaluated: 2019-12-31. Review status: criteria provided, single submitter. Criteria: Invitae Variant Classification Sherloc (09022015). Collection method: clinical testing. Allele origin: germline.

Breakthrough Genomics
Classification: Benign. Review status: criteria provided, single submitter. Criteria: ACMG Guidelines, 2015. Collection method: not provided. Allele origin: germline. Inheritance: Unknown mechanism. Affected: yes.